The following is an entry in ClinVar:

NM_014804.3(KIAA0753):c.226G>A (p.Asp76Asn)

Gene: KIAA0753 (KIAA0753; minus strand). Cytogenetic location: 17p13.1.
Variant type: single nucleotide variant.
Coding change: c.226G>A on transcript NM_014804.3 (MANE Select); coding-DNA position 226, G replaced by A.
Protein change: p.Asp76Asn; replaces aspartic acid 76 with asparagine.
Molecular consequence: missense variant. On other transcripts: 5 prime UTR variant (1), non-coding transcript variant (3).
Genome position (GRCh38, 1-based): chr17:6,628,609, C>T on the plus strand (G>A on the coding strand, the complement: KIAA0753 is on the minus strand). VCF-style: chr17-6628609-C-T. GRCh37 (hg19) VCF-style: chr17-6531929-C-T.
Other names: c.-1009G>A (NM_001351225.2); short protein forms D76N.
Identifiers: ClinVar variation 1437172 (VCV001437172.6), dbSNP rs755480148, ClinGen allele CA397415366.
Genomic context (GRCh38, chr17:6,628,609, plus strand): 5'-TCTCTTGGGATATGACGGAAAATGAAACAGAACTGCCCAGGTCAGGACCAACTCTACAAT[C>T]TGCATCTTTACAATGGTATGATTCATTGTATGAGTGCTTCAGTTTTTCAATTCTAATGGC-3'
Protein context (NP_055619.2, residues 66-86): YNESYHCKDA[Asp76Asn]CRVGPDLGSS

ClinVar aggregate classification (germline): Uncertain significance (1 of 4 stars; one submission).

Allele frequency attached by ClinVar (database versions not stated): gnomAD exomes 0.00004 and 0.00009; TOPMed 0.00020; gnomAD 0.00034 and 0.00036.

Submission:

Labcorp Genetics (formerly Invitae), Labcorp
Classification: Uncertain significance. Last evaluated: 2025-03-17. Review status: criteria provided, single submitter. Criteria: Invitae Variant Classification Sherloc (09022015). Collection method: clinical testing. Allele origin: germline.
Comment: This sequence change replaces aspartic acid, which is acidic and polar, with asparagine, which is neutral and polar, at codon 76 of the KIAA0753 protein (p.Asp76Asn). This variant is present in population databases (no rsID available, gnomAD 0.07%). This variant has not been reported in the literature in individuals affected with KIAA0753-related conditions. ClinVar contains an entry for this variant (Variation ID: 1437172). An algorithm developed to predict the effect of missense changes on protein structure and function (PolyPhen-2) suggests that this variant is likely to be tolerated. In summary, the available evidence is currently insufficient to determine the role of this variant in disease. Therefore, it has been classified as a Variant of Uncertain Significance.